The following is an entry in ClinVar:

ClinVar aggregate classification (germline): Uncertain significance. Review status: criteria provided, multiple submitters, no conflicts (2 of 4 stars). 2 submissions from 2 submitters: Uncertain significance (2). Last evaluated 2025-01-09.

Conditions:
Inborn genetic diseases. Identifiers: MedGen C0950123, MeSH D030342.
Mosaic variegated aneuploidy syndrome 2 (MVA2). Identifiers: Orphanet 1052, MedGen C3279843, MONDO:0013582, OMIM 614114.

Submissions (2):

Ambry Genetics
Classification: Uncertain significance for Inborn genetic diseases. Last evaluated: 2025-01-09. Review status: criteria provided, single submitter. Criteria: Ambry Variant Classification Scheme 2023. Collection method: clinical testing. Allele origin: germline.
Comment: The p.V182I variant (also known as c.544G>A), located in coding exon 5 of the CEP57 gene, results from a G to A substitution at nucleotide position 544. The valine at codon 182 is replaced by isoleucine, an amino acid with highly similar properties. This amino acid position is conserved. In addition, this alteration is predicted to be tolerated by in silico analysis. Based on the available evidence, the clinical significance of this variant remains unclear.

Labcorp Genetics (formerly Invitae), Labcorp
Classification: Uncertain significance for Mosaic variegated aneuploidy syndrome 2. Last evaluated: 2020-12-27. Review status: criteria provided, single submitter. Criteria: Invitae Variant Classification Sherloc (09022015). Collection method: clinical testing. Allele origin: germline.
Comment: In summary, the available evidence is currently insufficient to determine the role of this variant in disease. Therefore, it has been classified as a Variant of Uncertain Significance. Algorithms developed to predict the effect of missense changes on protein structure and function are either unavailable or do not agree on the potential impact of this missense change (SIFT: "Tolerated"; PolyPhen-2: "Probably Damaging"; Align-GVGD: "Class C0"). This variant has not been reported in the literature in individuals with CEP57-related conditions. This variant is not present in population databases (ExAC no frequency). This sequence change replaces valine with isoleucine at codon 182 of the CEP57 protein (p.Val182Ile). The valine residue is highly conserved and there is a small physicochemical difference between valine and isoleucine.

NM_014679.5(CEP57):c.544G>A (p.Val182Ile)

Gene: CEP57 (centrosomal protein 57; plus strand). Cytogenetic location: 11q21.
Variant type: single nucleotide variant.
Coding change: c.544G>A on transcript NM_014679.5 (MANE Select); coding-DNA position 544, G replaced by A.
Protein change: p.Val182Ile; replaces valine 182 with isoleucine.
Molecular consequence: missense variant.
Genome position (GRCh38, 1-based): chr11:95,817,826, G>A. VCF-style: chr11-95817826-G-A. GRCh37 (hg19) VCF-style: chr11-95550990-G-A.
Other names: c.544G>A (NM_014679.4); c.517G>A, p.Val173Ile (NM_001243776.2); c.544G>A, p.Val182Ile (NM_001243777.2); c.463G>A, p.Val155Ile (NM_001363604.2); short protein forms V155I, V173I, V182I.
Identifiers: ClinVar variation 1496465 (VCV001496465.9), dbSNP rs2135338078, ClinGen allele CA382422797.